The following is an entry in ClinVar:

ClinVar aggregate classification (germline): Uncertain significance (1 of 4 stars; one submission).

Submission:

Ambry Genetics
Classification: Uncertain significance. Last evaluated: 2024-11-22. Review status: criteria provided, single submitter. Criteria: Ambry Variant Classification Scheme 2023. Collection method: clinical testing. Allele origin: germline.
Comment: The p.L98W variant (also known as c.293T>G), located in coding exon 3 of the SRP72 gene, results from a T to G substitution at nucleotide position 293. The leucine at codon 98 is replaced by tryptophan, an amino acid with similar properties. This amino acid position is conserved. In addition, the in silico prediction for this alteration is inconclusive. Based on the available evidence, the clinical significance of this variant remains unclear.

NM_006947.4(SRP72):c.293T>G (p.Leu98Trp)

Gene: SRP72 (signal recognition particle 72; plus strand). Cytogenetic location: 4q12.
Variant type: single nucleotide variant.
Coding change: c.293T>G on transcript NM_006947.4 (MANE Select); coding-DNA position 293, T replaced by G.
Protein change: p.Leu98Trp; replaces leucine 98 with tryptophan.
Molecular consequence: missense variant. On other transcripts: non-coding transcript variant (1).
Genome position (GRCh38, 1-based): chr4:56,471,782, T>G. VCF-style: chr4-56471782-T-G. GRCh37 (hg19) VCF-style: chr4-57337948-T-G.
Other names: c.293T>G, p.Leu98Trp (NM_001267722.2); short protein forms L98W.
Identifiers: ClinVar variation 3449397 (VCV003449397.1).